The following is an entry in ClinVar:

NM_005732.4(RAD50):c.2617G>A (p.Glu873Lys)

Gene: RAD50 (RAD50 double strand break repair protein; plus strand). Cytogenetic location: 5q31.1.
Variant type: single nucleotide variant.
Coding change: c.2617G>A on transcript NM_005732.4 (MANE Select); coding-DNA position 2617, G replaced by A.
Protein change: p.Glu873Lys; replaces glutamic acid 873 with lysine.
Molecular consequence: missense variant.
Genome position (GRCh38, 1-based): chr5:132,604,898, G>A. VCF-style: chr5-132604898-G-A. GRCh37 (hg19) VCF-style: chr5-131940590-G-A.
Other names: short protein forms E873K.
Identifiers: ClinVar variation 187249 (VCV000187249.15), dbSNP rs786203585, ClinGen allele CA197148.
Genomic context (GRCh38, chr5:132,604,898, plus strand): 5'-ATACAGGACCAGCAGGAACAGATTCAACATCTAAAAAGTACAACAAATGAGCTAAAATCT[G>A]AGAAACTTCAGATATCCACTAATTTGCAACGTCGTCAGCAACTGGAGGAGCAGACTGTGG-3'
Protein context (NP_005723.2, residues 863-883): LKSTTNELKS[Glu873Lys]KLQISTNLQR

ClinVar aggregate classification (germline): Uncertain significance. Review status: criteria provided, multiple submitters, no conflicts (2 of 4 stars). 2 submissions from 2 submitters: Uncertain significance (2). Last evaluated 2025-06-02.

Conditions:
Hereditary cancer-predisposing syndrome. Also called: Neoplastic Syndromes, Hereditary; Tumor predisposition; Hereditary Cancer Syndrome; Hereditary neoplastic syndrome. Identifiers: Orphanet 140162, MedGen C0027672, MeSH D009386, MONDO:0015356.

Allele frequency attached by ClinVar (database versions not stated): gnomAD exomes below 0.00001.
gnomAD v4.1: 1 of 1,613,786 alleles (0.000062%); highest among the groups gnomAD compares: South Asian, 0.0011%; no homozygotes.

Submissions (2):

Ambry Genetics
Classification: Uncertain significance for Hereditary cancer-predisposing syndrome. Last evaluated: 2025-06-02. Review status: criteria provided, single submitter. Criteria: Ambry Variant Classification Scheme 2023. Collection method: clinical testing. Allele origin: germline.
Comment: The p.E873K variant (also known as c.2617G>A), located in coding exon 16 of the RAD50 gene, results from a G to A substitution at nucleotide position 2617. The glutamic acid at codon 873 is replaced by lysine, an amino acid with similar properties. This amino acid position is highly conserved in available vertebrate species. In addition, the in silico prediction for this alteration is inconclusive. Since supporting evidence is limited at this time, the clinical significance of this alteration remains unclear.

Labcorp Genetics (formerly Invitae), Labcorp
Classification: Uncertain significance for Hereditary cancer-predisposing syndrome. Last evaluated: 2020-03-18. Review status: criteria provided, single submitter. Criteria: Invitae Variant Classification Sherloc (09022015). Collection method: clinical testing. Allele origin: germline.
Comment: Algorithms developed to predict the effect of missense changes on protein structure and function are either unavailable or do not agree on the potential impact of this missense change (SIFT: "Tolerated"; PolyPhen-2: "Possibly Damaging"; Align-GVGD: "Class C0"). In summary, the available evidence is currently insufficient to determine the role of this variant in disease. Therefore, it has been classified as a Variant of Uncertain Significance. This variant has not been reported in the literature in individuals with RAD50-related conditions. ClinVar contains an entry for this variant (Variation ID: 187249). This variant is not present in population databases (ExAC no frequency). This sequence change replaces glutamic acid with lysine at codon 873 of the RAD50 protein (p.Glu873Lys). The glutamic acid residue is moderately conserved and there is a small physicochemical difference between glutamic acid and lysine.